The following is an entry in ClinVar:

ClinVar aggregate classification (germline): Likely pathogenic. Review status: criteria provided, multiple submitters, no conflicts (2 of 4 stars). 2 submissions from 2 submitters: Likely pathogenic (2). Last evaluated 2025-12-01.

Conditions:
Cerebral arteriopathy, autosomal dominant, with subcortical infarcts and leukoencephalopathy, type 1 (CADASIL1). Also called: CADASIL 1; CASIL; Cerebral arteriopathy with subcortical infarcts and leukoencephalopathy 1; DEMENTIA, HEREDITARY MULTIINFARCT TYPE. Identifiers: Orphanet 136, MedGen C4551768, MONDO:0000914, OMIM 125310.

Submissions (2):

CeGaT Center for Human Genetics Tuebingen
Classification: Likely pathogenic. Last evaluated: 2025-12-01. Review status: criteria provided, single submitter. Criteria: CeGaT Center For Human Genetics Tuebingen Variant Classification Criteria Version 2. Collection method: clinical testing. Allele origin: germline. Affected: yes. Observed: 1 variant allele.
Comment: NOTCH3: PM1:Strong, PM2, PM5, PP3

Institute of Human Genetics, Cologne University
Classification: Likely pathogenic for Cerebral arteriopathy, autosomal dominant, with subcortical infarcts and leukoencephalopathy, type 1. Last evaluated: 2023-04-17. Review status: criteria provided, single submitter. Criteria: ACMG Guidelines, 2015. Collection method: clinical testing. Allele origin: germline. Affected: yes.

NM_000435.3(NOTCH3):c.1702T>C (p.Cys568Arg)

Gene: NOTCH3 (notch receptor 3; minus strand). Cytogenetic location: 19p13.12.
Variant type: single nucleotide variant.
Coding change: c.1702T>C on transcript NM_000435.3 (MANE Select); coding-DNA position 1702, T replaced by C.
Protein change: p.Cys568Arg; replaces cysteine 568 with arginine.
Molecular consequence: missense variant.
Genome position (GRCh38, 1-based): chr19:15,187,243, A>G on the plus strand (T>C on the coding strand, the complement: NOTCH3 is on the minus strand). VCF-style: chr19-15187243-A-G. GRCh37 (hg19) VCF-style: chr19-15298054-A-G.
Other names: short protein forms C568R.
Identifiers: ClinVar variation 2501691 (VCV002501691.6), dbSNP rs2512657786, ClinGen allele CA404525184.